The following is an entry in ClinVar:

NM_001148.6(ANK2):c.5051C>T (p.Pro1684Leu)

Gene: ANK2 (ankyrin 2; plus strand). Cytogenetic location: 4q26.
Variant type: single nucleotide variant.
Coding change: c.5051C>T on transcript NM_001148.6 (MANE Select); coding-DNA position 5051, C replaced by T.
Protein change: p.Pro1684Leu; replaces proline 1684 with leucine.
Molecular consequence: missense variant. On other transcripts: intron variant (68).
Genome position (GRCh38, 1-based): chr4:113,353,669, C>T. VCF-style: chr4-113353669-C-T. GRCh37 (hg19) VCF-style: chr4-114274825-C-T.
Other names: c.4817C>T, p.Pro1606Leu (NM_001386142.1); c.1451C>T, p.Pro484Leu (NM_001386166.1); c.5192C>T, p.Pro1731Leu (NM_001386174.1); c.5168C>T, p.Pro1723Leu (NM_001386175.1); c.4411+3420C>T (NM_001386186.2, NM_001386148.2); c.4213+3420C>T (NM_001354269.3); c.4291+3420C>T (NM_001386187.2); c.4252+3420C>T (NM_001386147.1); and 35 more; short protein forms P1723L, P1731L, P1606L, P1684L, P484L.
Identifiers: ClinVar variation 2585806 (VCV002585806.3), dbSNP rs778357984, ClinGen allele CA3051172.

ClinVar aggregate classification (germline): Uncertain significance. Review status: criteria provided, multiple submitters, no conflicts (2 of 4 stars). 2 submissions from 2 submitters: Uncertain significance (2). Last evaluated 2026-03-31.

Conditions:
Cardiovascular phenotype. Identifiers: MedGen CN230736.

Allele frequency attached by ClinVar (database versions not stated): TOPMed 0.00002.
gnomAD v4.1: 12 of 1,613,870 alleles (0.00074%); highest among the groups gnomAD compares: Admixed American, 0.015%; no homozygotes.

Submissions (2):

GeneDx
Classification: Uncertain significance. Last evaluated: 2026-03-31. Review status: criteria provided, single submitter. Criteria: GeneDx Variant Classification Process June 2021. Collection method: clinical testing. Allele origin: germline.
Comment: Has not been previously published as pathogenic or benign to our knowledge; Not observed at significant frequency in large population cohorts (gnomAD); In silico analysis suggests that this missense variant does not alter protein structure/function; This variant is associated with the following publications: (PMID: 1830053, 18790697, 26109584)

Ambry Genetics
Classification: Uncertain significance for Cardiovascular phenotype. Last evaluated: 2023-07-31. Review status: criteria provided, single submitter. Criteria: Ambry Variant Classification Scheme 2023. Collection method: clinical testing. Allele origin: germline.
Comment: The p.P1684L variant (also known as c.5051C>T), located in coding exon 38 of the ANK2 gene, results from a C to T substitution at nucleotide position 5051. The proline at codon 1684 is replaced by leucine, an amino acid with similar properties. This amino acid position is conserved. In addition, this alteration is predicted to be tolerated by in silico analysis. Since supporting evidence is limited at this time, the clinical significance of this alteration remains unclear.